The following is an entry in ClinVar:

NM_000310.4(PPT1):c.726+2T>G

Gene: PPT1 (palmitoyl-protein thioesterase 1; minus strand). Cytogenetic location: 1p34.2.
Variant type: single nucleotide variant.
Coding change: c.726+2T>G on transcript NM_000310.4 (MANE Select); the canonical splice donor site of the intron after coding-DNA position 726, T replaced by G.
Molecular consequence: splice donor variant.
Genome position (GRCh38, 1-based): chr1:40,078,558, A>C on the plus strand (T>G on the coding strand, the complement: PPT1 is on the minus strand). VCF-style: chr1-40078558-A-C. GRCh37 (hg19) VCF-style: chr1-40544230-A-C.
Other names: c.417+2T>G (NM_001142604.2); c.726+2T>G (NM_001363695.2).
Identifiers: ClinVar variation 1997703 (VCV001997703.4), dbSNP rs1398080802, ClinGen allele CA339846531.

ClinVar aggregate classification (germline): Likely pathogenic (1 of 4 stars; one submission).

Conditions:
Neuronal ceroid lipofuscinosis 1 (CLN1). Also called: CEROID LIPOFUSCINOSIS, NEURONAL, 1, VARIABLE AGE AT ONSET; PPT1-Related Neuronal Ceroid-Lipofuscinosis. Identifiers: Orphanet 228329, MedGen C1850451, MONDO:0009744, OMIM 256730.

Submission:

Labcorp Genetics (formerly Invitae), Labcorp
Classification: Likely pathogenic for Neuronal ceroid lipofuscinosis 1. Last evaluated: 2022-05-21. Review status: criteria provided, single submitter. Criteria: Invitae Variant Classification Sherloc (09022015). Collection method: clinical testing. Allele origin: germline.
Comment: In summary, the currently available evidence indicates that the variant is pathogenic, but additional data are needed to prove that conclusively. Therefore, this variant has been classified as Likely Pathogenic. Algorithms developed to predict the effect of sequence changes on RNA splicing suggest that this variant may disrupt the consensus splice site. This variant has not been reported in the literature in individuals affected with PPT1-related conditions. This variant is not present in population databases (gnomAD no frequency). This sequence change affects a donor splice site in intron 7 of the PPT1 gene. It is expected to disrupt RNA splicing. Variants that disrupt the donor or acceptor splice site typically lead to a loss of protein function (PMID: 16199547), and loss-of-function variants in PPT1 are known to be pathogenic (PMID: 10679943, 21990111).

Literature cited by the submitters: PubMed 16199547; PubMed 10679943; PubMed 21990111.